The following is an entry in ClinVar:

ClinVar aggregate classification (germline): Uncertain significance (1 of 4 stars; one submission).

Allele frequency attached by ClinVar (database versions not stated): gnomAD exomes 0.00001 and 0.00003; ExAC 0.00002; gnomAD 0.00009 and 0.00010; TOPMed 0.00009.
gnomAD v4.1: 33 of 1,613,844 alleles (0.002%); highest among the groups gnomAD compares: African/African-American, 0.043%; no homozygotes.

Submission:

Labcorp Genetics (formerly Invitae), Labcorp
Classification: Uncertain significance. Last evaluated: 2024-01-15. Review status: criteria provided, single submitter. Criteria: Invitae Variant Classification Sherloc (09022015). Collection method: clinical testing. Allele origin: germline.
Comment: This sequence change replaces cysteine, which is neutral and slightly polar, with tyrosine, which is neutral and polar, at codon 8 of the IL12RB2 protein (p.Cys8Tyr). This variant is present in population databases (rs770452160, gnomAD 0.05%). This variant has not been reported in the literature in individuals affected with IL12RB2-related conditions. ClinVar contains an entry for this variant (Variation ID: 1349152). Algorithms developed to predict the effect of missense changes on protein structure and function output the following: SIFT: "Not Available"; PolyPhen-2: "Benign"; Align-GVGD: "Not Available". The tyrosine amino acid residue is found in multiple mammalian species, which suggests that this missense change does not adversely affect protein function. In summary, the available evidence is currently insufficient to determine the role of this variant in disease. Therefore, it has been classified as a Variant of Uncertain Significance.

NM_001374259.2(IL12RB2):c.23G>A (p.Cys8Tyr)

Gene: IL12RB2 (interleukin 12 receptor subunit beta 2; plus strand). Cytogenetic location: 1p31.3.
Variant type: single nucleotide variant.
Coding change: c.23G>A on transcript NM_001374259.2 (MANE Select); coding-DNA position 23, G replaced by A.
Protein change: p.Cys8Tyr; replaces cysteine 8 with tyrosine.
Molecular consequence: missense variant. On other transcripts: non-coding transcript variant (2).
Genome position (GRCh38, 1-based): chr1:67,320,391, G>A. VCF-style: chr1-67320391-G-A. GRCh37 (hg19) VCF-style: chr1-67786074-G-A.
Other names: c.23G>A, p.Cys8Tyr (NM_001258214.1, NM_001258215.1, NM_001258216.1 and 2 more transcripts); short protein forms C8Y.
Identifiers: ClinVar variation 1349152 (VCV001349152.8), dbSNP rs770452160, ClinGen allele CA900092.